The following is an entry in ClinVar:

NM_003491.4(NAA10):c.472-20C>T

Gene: NAA10 (N-alpha-acetyltransferase 10, NatA catalytic subunit; minus strand). Cytogenetic location: Xq28.
Variant type: single nucleotide variant.
Coding change: c.472-20C>T on transcript NM_003491.4 (MANE Select); 20 bases into the intron before coding-DNA position 472, C replaced by T.
Molecular consequence: intron variant.
Genome position (GRCh38, 1-based): chrX:153,930,243, G>A on the plus strand (C>T on the coding strand, the complement: NAA10 is on the minus strand). VCF-style: chrX-153930243-G-A. GRCh37 (hg19) VCF-style: chrX-153195696-G-A.
Other names: c.454-20C>T (NM_001256120.2); c.427-20C>T (NM_001256119.2).
Identifiers: ClinVar variation 2094682 (VCV002094682.5), dbSNP rs2521321260, ClinGen allele CA415156248.

ClinVar aggregate classification (germline): Conflicting classifications of pathogenicity. Review status: criteria provided, conflicting classifications (1 of 4 stars). 2 submissions from 2 submitters: Uncertain significance (1); Likely benign (1). Last evaluated 2025-05-29.

Submissions (2):

Greenwood Genetic Center Diagnostic Laboratories, Greenwood Genetic Center
Classification: Uncertain significance. Last evaluated: 2025-05-29. Review status: criteria provided, single submitter. Criteria: ACMG Guidelines, 2015. Collection method: clinical testing. Allele origin: germline. Affected: yes.
Comment: PM2, BP4

Labcorp Genetics (formerly Invitae), Labcorp
Classification: Likely benign. Last evaluated: 2025-05-17. Review status: criteria provided, single submitter. Criteria: Invitae Variant Classification Sherloc (09022015). Collection method: clinical testing. Allele origin: germline.